The following continues an entry in ClinVar:

NM_000492.4(CFTR):c.1680-1G>A

Gene: CFTR. ClinVar aggregate classification (germline): Pathogenic. Pathogenic (1).

Submissions 12 to 17 of 17:

Quest Diagnostics Nichols Institute San Juan Capistrano
Classification: Pathogenic. Last evaluated: 2018-12-14. Review status: criteria provided, single submitter. Criteria: Quest Diagnostics criteria. Collection method: clinical testing. Allele origin: germline. Not counted in ClinVar's aggregate classification.
Comment: The variant disrupts a canonical splice site, and is therefore predicted to significantly disrupt the protein structure. Found in at least one symptomatic patient, and found in general population data that is consistent with pathogenicity. Occurs in multiple cases with a recessive pathogenic variant in the same gene.

Mendelics
Classification: Pathogenic for Cystic fibrosis. Last evaluated: 2018-11-05. Review status: criteria provided, single submitter. Criteria: Mendelics Assertion Criteria 2017. Collection method: clinical testing. Allele origin: unknown. Affected: yes. Not counted in ClinVar's aggregate classification.

CFTR-France
Classification: Pathogenic for cystic fibrosis. Last evaluated: 2018-01-29. Review status: criteria provided, single submitter. Criteria: Claustres M et al. (Hum Mutat 2017). Collection method: curation. Allele origin: germline. Affected: yes. Not counted in ClinVar's aggregate classification.

Baylor Genetics
Classification: Pathogenic for Congenital bilateral aplasia of vas deferens from CFTR mutation; Cystic fibrosis. Review status: criteria provided, single submitter. Criteria: ACMG Guidelines, 2015. Collection method: clinical testing. Allele origin: germline. Not counted in ClinVar's aggregate classification.

PreventionGenetics, part of Exact Sciences
Classification: Pathogenic for CFTR-related condition. Last evaluated: 2024-07-24. Review status: no assertion criteria provided. Collection method: clinical testing. Allele origin: germline. Not counted in ClinVar's aggregate classification.
Comment: The CFTR c.1680-1G>A variant is predicted to disrupt the AG splice acceptor site and interfere with normal splicing. This variant (also described as c.1812-1G>A) has previously been reported to be causative for cystic fibrosis (Castellani. 2008. PubMed ID: 18456578; Table S2, Sosnay. 2013. PubMed ID: 23974870). This variant is reported in 0.0029% of alleles in individuals of Latino descent in gnomAD. Variants that disrupt the consensus splice acceptor site in CFTR are expected to be pathogenic. This variant is interpreted as pathogenic.

Genome Diagnostics Laboratory, The Hospital for Sick Children
Classification: Pathogenic for CFTR-related disorders. Last evaluated: 2020-07-28. Review status: no assertion criteria provided. Collection method: clinical testing. Allele origin: germline. Not counted in ClinVar's aggregate classification.

Literature cited by the submitters: PubMed 30996306 (cited by Natera, Inc.); PubMed 27784314 (cited by Natera, Inc.); PubMed 23687349 (cited by Natera, Inc.); PubMed 16199547 (cited by Labcorp Genetics (formerly Invitae), Labcorp); PubMed 1695717 (cited by Labcorp Genetics (formerly Invitae), Labcorp); PubMed 7691345 (cited by Labcorp Genetics (formerly Invitae), Labcorp); PubMed 9725922 (cited by Labcorp Genetics (formerly Invitae), Labcorp); PubMed 7517264 (cited by 4 submitters); PubMed 16786510 (cited by Labcorp Genetics (formerly Invitae), Labcorp); PubMed 23974870 (cited by 5 submitters); PubMed 25667564 (cited by Labcorp Genetics (formerly Invitae), Labcorp); PubMed 25674778 (cited by Labcorp Genetics (formerly Invitae), Labcorp); PubMed 27086061 (cited by Labcorp Genetics (formerly Invitae), Labcorp); PubMed 26708955 (cited by Ambry Genetics); PubMed 27174726 (cited by Ambry Genetics); PubMed 15371902 (cited by Women's Health and Genetics/Laboratory Corporation of America, LabCorp); PubMed 10077727 (cited by Myriad Genetics, Inc.); PubMed 17331079 (cited by Myriad Genetics, Inc.); PubMed 11388756 (cited by Myriad Genetics, Inc.); PubMed 18456578 (cited by Myriad Genetics, Inc.); PubMed 16963320 (cited by Myriad Genetics, Inc.).